The following is an entry in ClinVar:

ClinVar aggregate classification (germline): Conflicting classifications of pathogenicity. Review status: criteria provided, conflicting classifications (1 of 4 stars). 4 submissions from 4 submitters: Uncertain significance (2); Likely benign (2). Last evaluated 2025-12-09.

Conditions:
Hereditary cancer-predisposing syndrome. Also called: Neoplastic Syndromes, Hereditary; Tumor predisposition; Hereditary Cancer Syndrome; Hereditary neoplastic syndrome. Identifiers: Orphanet 140162, MedGen C0027672, MeSH D009386, MONDO:0015356.
Hereditary breast ovarian cancer syndrome. Also called: Hereditary breast and ovarian cancer syndrome; Hereditary breast and ovarian cancer; Hereditary breast and ovarian cancer syndrome (HBOC); Breast and ovarian cancer; Hereditary breast and/or ovarian cancer syndrome; BRCA1- and BRCA2-Associated Hereditary Breast and Ovarian Cancer. Identifiers: Orphanet 145, MedGen C0677776, MeSH D061325, MONDO:0003582. Disease mechanism: loss of function.

gnomAD v4.1: 1 of 1,613,860 alleles (0.000062%); highest among the groups gnomAD compares: Non-Finnish European, 0.000085%; no homozygotes.

Submissions (4):

Labcorp Genetics (formerly Invitae), Labcorp
Classification: Likely benign for Hereditary breast ovarian cancer syndrome. Last evaluated: 2025-12-09. Review status: criteria provided, single submitter. Criteria: Invitae Variant Classification Sherloc (09022015). Collection method: clinical testing. Allele origin: germline.

Color Diagnostics, LLC DBA Color Health
Classification: Uncertain significance for Hereditary cancer-predisposing syndrome. Last evaluated: 2023-05-17. Review status: criteria provided, single submitter. Criteria: ACMG Guidelines, 2015. Collection method: clinical testing. Allele origin: germline.
Comment: This variant causes a G to T nucleotide substitution at the +6 position of intron 25 of the BRCA2 gene. To our knowledge, functional studies have not been reported for this variant. This variant has not been reported in individuals affected with BRCA2-related disorders in the literature. This variant has not been identified in the general population by the Genome Aggregation Database (gnomAD). The available evidence is insufficient to determine the role of this variant in disease conclusively. Therefore, this variant is classified as a Variant of Uncertain Significance.

Blueprint Genetics
Classification: Uncertain significance. Last evaluated: 2019-12-27. Review status: criteria provided, single submitter. Criteria: ACMG Guidelines, 2015. Collection method: clinical testing. Allele origin: germline.

GeneDx
Classification: Likely benign. Last evaluated: 2019-08-09. Review status: criteria provided, single submitter. Criteria: GeneDx Variant Classification Process June 2021. Collection method: clinical testing. Allele origin: germline. Affected: yes.

NM_000059.4(BRCA2):c.9501+6G>T

Gene: BRCA2 (BRCA2 DNA repair associated; plus strand). Cytogenetic location: 13q13.1.
Variant type: single nucleotide variant.
Coding change: c.9501+6G>T on transcript NM_000059.4 (MANE Select); 6 bases into the intron after coding-DNA position 9501, G replaced by T.
Molecular consequence: intron variant.
Genome position (GRCh38, 1-based): chr13:32,394,939, G>T. VCF-style: chr13-32394939-G-T. GRCh37 (hg19) VCF-style: chr13-32969076-G-T.
Identifiers: ClinVar variation 216264 (VCV000216264.18), dbSNP rs863224600, ClinGen allele CA339586.